The following is an entry in ClinVar:

NM_021074.5(NDUFV2):c.8T>C (p.Phe3Ser)

Genes: NDUFV2 (NADH:ubiquinone oxidoreductase core subunit V2; plus strand), LOC130062145 (ATAC-STARR-seq lymphoblastoid silent region 9277; plus strand). Cytogenetic location: 18p11.22.
Variant type: single nucleotide variant.
Coding change: c.8T>C on transcript NM_021074.5 (MANE Select); coding-DNA position 8, T replaced by C.
Protein change: p.Phe3Ser; replaces phenylalanine 3 with serine.
Molecular consequence: missense variant.
Genome position (GRCh38, 1-based): chr18:9,102,751, T>C. VCF-style: chr18-9102751-T-C. GRCh37 (hg19) VCF-style: chr18-9102749-T-C.
Other names: c.8T>C (NM_021074.4); short protein forms F3S.
Identifiers: ClinVar variation 1209343 (VCV001209343.7), dbSNP rs758463496, ClinGen allele CA8887018.

ClinVar aggregate classification (germline): Uncertain significance. Review status: criteria provided, multiple submitters, no conflicts (2 of 4 stars). 2 submissions from 2 submitters: Uncertain significance (2). Last evaluated 2025-09-11.

Conditions:
Inborn genetic diseases. Identifiers: MedGen C0950123, MeSH D030342.

Allele frequency attached by ClinVar (database versions not stated): gnomAD 0.00002; gnomAD exomes 0.00002 and 0.00004; TOPMed 0.00002; ExAC 0.00009.
gnomAD v4.1: 61 of 1,588,538 alleles (0.0038%); highest among the groups gnomAD compares: Non-Finnish European, 0.0046%; no homozygotes.

Submissions (2):

Ambry Genetics
Classification: Uncertain significance for Inborn genetic diseases. Last evaluated: 2025-09-11. Review status: criteria provided, single submitter. Criteria: Ambry Variant Classification Scheme 2023. Collection method: clinical testing. Allele origin: germline.

GeneDx
Classification: Uncertain significance. Last evaluated: 2019-07-03. Review status: criteria provided, single submitter. Criteria: GeneDx Variant Classification Process June 2021. Collection method: clinical testing. Allele origin: germline. Affected: yes.
Comment: Not observed at a significant frequency in large population cohorts (Lek et al., 2016); In silico analysis, which includes protein predictors and evolutionary conservation, supports that this variant does not alter protein structure/function; Has not been previously published as pathogenic or benign to our knowledge